The following is an entry in ClinVar:

ClinVar aggregate classification (germline): Uncertain significance. Review status: criteria provided, multiple submitters, no conflicts (2 of 4 stars). 3 submissions from 3 submitters: Uncertain significance (3). Last evaluated 2025-12-17.

Conditions:
Hereditary cancer-predisposing syndrome. Also called: Neoplastic Syndromes, Hereditary; Tumor predisposition; Hereditary Cancer Syndrome; Hereditary neoplastic syndrome. Identifiers: Orphanet 140162, MedGen C0027672, MeSH D009386, MONDO:0015356.
Fanconi anemia complementation group J. Also called: BRIP1-Related Fanconi Anemia. Identifiers: Orphanet 84, MedGen C1836860, MONDO:0012187, OMIM 609054.
Familial cancer of breast. Also called: Hereditary breast cancer; hereditary breast carcinoma; BREAST CANCER, FAMILIAL. Identifiers: Orphanet 227535, MedGen C0346153, MONDO:0016419, OMIM 114480. Disease mechanism: loss of function.

Allele frequency attached by ClinVar (database versions not stated): ExAC 0.00001.

Submissions (3):

Labcorp Genetics (formerly Invitae), Labcorp
Classification: Uncertain significance for Familial cancer of breast; Fanconi anemia complementation group J. Last evaluated: 2025-12-17. Review status: criteria provided, single submitter. Criteria: Invitae Variant Classification Sherloc (09022015). Collection method: clinical testing. Allele origin: germline.
Comment: This sequence change replaces lysine, which is basic and polar, with arginine, which is basic and polar, at codon 1186 of the BRIP1 protein (p.Lys1186Arg). This variant is not present in population databases (gnomAD no frequency). This variant has not been reported in the literature in individuals affected with BRIP1-related conditions. ClinVar contains an entry for this variant (Variation ID: 2929978). Invitae Evidence Modeling of protein sequence and biophysical properties (such as structural, functional, and spatial information, amino acid conservation, physicochemical variation, residue mobility, and thermodynamic stability) indicates that this missense variant is not expected to disrupt BRIP1 protein function with a negative predictive value of 95%. In summary, the available evidence is currently insufficient to determine the role of this variant in disease. Therefore, it has been classified as a Variant of Uncertain Significance.

Ambry Genetics
Classification: Uncertain significance for Hereditary cancer-predisposing syndrome. Last evaluated: 2025-01-26. Review status: criteria provided, single submitter. Criteria: Ambry Variant Classification Scheme 2023. Collection method: clinical testing. Allele origin: germline.
Comment: The p.K1186R variant (also known as c.3557A>G), located in coding exon 19 of the BRIP1 gene, results from an A to G substitution at nucleotide position 3557. The lysine at codon 1186 is replaced by arginine, an amino acid with highly similar properties. This amino acid position is conserved. In addition, this alteration is predicted to be tolerated by in silico analysis. Based on the available evidence, the clinical significance of this variant remains unclear.

GeneDx
Classification: Uncertain significance. Last evaluated: 2024-09-04. Review status: criteria provided, single submitter. Criteria: GeneDx Variant Classification Process June 2021. Collection method: clinical testing. Allele origin: germline. Affected: yes.
Comment: Not observed at significant frequency in large population cohorts (gnomAD); In silico analysis indicates that this missense variant does not alter protein structure/function; Has not been previously published as pathogenic or benign to our knowledge

NM_032043.3(BRIP1):c.3557A>G (p.Lys1186Arg)

Gene: BRIP1 (BRCA1 interacting DNA helicase 1; minus strand). Cytogenetic location: 17q23.2.
Variant type: single nucleotide variant.
Coding change: c.3557A>G on transcript NM_032043.3 (MANE Select); coding-DNA position 3557, A replaced by G.
Protein change: p.Lys1186Arg; replaces lysine 1186 with arginine.
Molecular consequence: missense variant.
Genome position (GRCh38, 1-based): chr17:61,683,489, T>C on the plus strand (A>G on the coding strand, the complement: BRIP1 is on the minus strand). VCF-style: chr17-61683489-T-C. GRCh37 (hg19) VCF-style: chr17-59760850-T-C.
Other names: short protein forms K1186R.
Identifiers: ClinVar variation 2929978 (VCV002929978.5), dbSNP rs763298204, ClinGen allele CA8690349.